The following is an entry in ClinVar:

ClinVar aggregate classification (germline): Uncertain significance (1 of 4 stars; one submission).

Conditions:
Spastic paraplegia 91, autosomal dominant, with or without cerebellar ataxia (SPG91). Identifiers: MedGen C5882701, MONDO:0957813, OMIM 620538.
Neuronopathy, distal hereditary motor, autosomal dominant 11. Also called: NEUROPATHY, DISTAL HEREDITARY MOTOR, 11. Identifiers: MedGen C5882697, MONDO:0957875, OMIM 620528.

Submission:

Institute of Human Genetics, University of Goettingen
Classification: Uncertain significance for Neuronopathy, distal hereditary motor, autosomal dominant 11; Spastic paraplegia 91, autosomal dominant, with or without cerebellar ataxia. Last evaluated: 2025-01-29. Review status: criteria provided, single submitter. Criteria: ACMG Guidelines, 2015. Collection method: clinical testing. Allele origin: unknown. Inheritance: Autosomal dominant inheritance. Affected: yes. Observed: 1 heterozygote.
Comment: The variant c.4996C>T (p.(Gln1666*)) in exon 39 of the SPTAN1-gene is not found in the gnomAD database, it affects a highly conserved nucleotide. The Variation generates a "nonsense" as coding effect and the reading frame is interrupted by a premature STOP codon. ACMG criteria used for classification: PVS1_mod, PM2_sup

NM_001130438.3(SPTAN1):c.4996C>T (p.Gln1666Ter)

Gene: SPTAN1 (spectrin alpha, non-erythrocytic 1; plus strand). Cytogenetic location: 9q34.11.
Variant type: single nucleotide variant.
Coding change: c.4996C>T on transcript NM_001130438.3 (MANE Select); coding-DNA position 4996, C replaced by T.
Protein change: p.Gln1666Ter; replaces glutamine 1666 with a stop codon.
Molecular consequence: nonsense.
Genome position (GRCh38, 1-based): chr9:128,612,199, C>T. VCF-style: chr9-128612199-C-T. GRCh37 (hg19) VCF-style: chr9-131374478-C-T.
Other names: c.4921C>T, p.Gln1641Ter (NM_001195532.2, NM_001438441.1, NM_001438444.1); c.4996C>T, p.Gln1666Ter (NM_001363759.2, NM_001375310.1, NM_001375311.2 and 1 more transcripts); c.4936C>T, p.Gln1646Ter (NM_001363765.2, NM_001375314.2, NM_001438442.1); c.5032C>T, p.Gln1678Ter (NM_001375312.2, NM_001375318.1, NM_001438440.1); c.4981C>T, p.Gln1661Ter (NM_001438443.1, NM_001438445.1, NM_003127.4); short protein forms Q1641*, Q1646*, Q1661*, Q1666*, Q1678*.
Identifiers: ClinVar variation 4082087 (VCV004082087.1).
Genomic context (GRCh38, chr9:128,612,199, plus strand): 5'-CAGTTCTTGGTGCAAAAGTCAGCGGAAAAGAGCCAGAAACTGAAAGAAGCCAACAAGCAG[C>T]AGAACTTCAACACAGGGATCAAGGACTTTGACTTCTGGCTGTCTGAGGTAACACTGAGTG-3'